The following is an entry in ClinVar:

NM_003221.4(TFAP2B):c.861G>C (p.Arg287Ser)

Gene: TFAP2B (transcription factor AP-2 beta; plus strand). Cytogenetic location: 6p12.3.
Variant type: single nucleotide variant.
Coding change: c.861G>C on transcript NM_003221.4 (MANE Select); coding-DNA position 861, G replaced by C.
Protein change: p.Arg287Ser; replaces arginine 287 with serine.
Molecular consequence: missense variant.
Genome position (GRCh38, 1-based): chr6:50,838,014, G>C. VCF-style: chr6-50838014-G-C. GRCh37 (hg19) VCF-style: chr6-50805727-G-C.
Other names: short protein forms R287S.
Identifiers: ClinVar variation 1696223 (VCV001696223.2), dbSNP rs777687254, ClinGen allele CA364415298.

ClinVar aggregate classification (germline): Uncertain significance (1 of 4 stars; one submission).

Allele frequency attached by ClinVar (database versions not stated): gnomAD 0.00001.
gnomAD v4.1: 4 of 1,614,188 alleles (0.00025%); highest among the groups gnomAD compares: South Asian, 0.0011%; no homozygotes.

Submission:

Women's Health and Genetics/Laboratory Corporation of America, LabCorp
Classification: Uncertain significance. Last evaluated: 2025-03-07. Review status: criteria provided, single submitter. Criteria: LabCorp Variant Classification Summary - May 2015. Collection method: clinical testing. Allele origin: germline.
Comment: Variant summary: TFAP2B c.861G>C (p.Arg287Ser) results in a non-conservative amino acid change located in the C-terminal domain (IPR013854) of the encoded protein sequence. Three of five in-silico tools predict a damaging effect of the variant on protein function. The variant was absent in 251496 control chromosomes. The available data on variant occurrences in the general population are insufficient to allow any conclusion about variant significance. To our knowledge, no occurrence of c.861G>C in individuals affected with Char Syndrome and no experimental evidence demonstrating its impact on protein function have been reported. ClinVar contains an entry for this variant (Variation ID: 1696223). Based on the evidence outlined above, the variant was classified as uncertain significance.